The following is an entry in ClinVar:

NM_018993.4(RIN2):c.26G>A (p.Arg9His)

Gene: RIN2 (Ras and Rab interactor 2; plus strand). Cytogenetic location: 20p11.23.
Variant type: single nucleotide variant.
Coding change: c.26G>A on transcript NM_018993.4 (MANE Select); coding-DNA position 26, G replaced by A.
Protein change: p.Arg9His; replaces arginine 9 with histidine.
Molecular consequence: missense variant. On other transcripts: 5 prime UTR variant (1).
Genome position (GRCh38, 1-based): chr20:19,889,627, G>A. VCF-style: chr20-19889627-G-A. GRCh37 (hg19) VCF-style: chr20-19870271-G-A.
Other names: c.173G>A, p.Arg58His (NM_001242581.2); c.-520G>A (NM_001378238.1); c.173G>A (NM_001242581.1); short protein forms R58H, R9H.
Identifiers: ClinVar variation 4629175 (VCV004629175.2).

ClinVar aggregate classification (germline): Uncertain significance. Review status: criteria provided, multiple submitters, no conflicts (2 of 4 stars). 2 submissions from 2 submitters: Uncertain significance (2). Last evaluated 2025-11-11.

Conditions:
RIN2-related disorder. Also called: RIN2-related condition.
Inborn genetic diseases. Identifiers: MedGen C0950123, MeSH D030342.

gnomAD v4.1: 58 of 1,548,782 alleles (0.0037%); highest among the groups gnomAD compares: Non-Finnish European, 0.0044%; no homozygotes.

Submissions (2):

Ambry Genetics
Classification: Uncertain significance for Inborn genetic diseases. Last evaluated: 2025-11-11. Review status: criteria provided, single submitter. Criteria: Ambry Variant Classification Scheme 2023. Collection method: clinical testing. Allele origin: germline.

PreventionGenetics, part of Exact Sciences
Classification: Uncertain significance for RIN2-related condition. Last evaluated: 2025-07-11. Review status: criteria provided, single submitter. Criteria: ACMG Guidelines, 2015. Collection method: clinical testing. Allele origin: germline.
Comment: The RIN2 c.173G>A variant is predicted to result in the amino acid substitution p.Arg58His. To our knowledge, this variant has not been reported in the literature. This variant is reported in 0.023% of alleles in individuals of African descent in gnomAD. At this time, the clinical significance of this variant is uncertain due to the absence of conclusive functional and genetic evidence.